The following is an entry in ClinVar:

NM_006734.4(HIVEP2):c.3213G>A (p.Pro1071=)

Gene: HIVEP2 (HIVEP zinc finger 2; minus strand). Cytogenetic location: 6q24.2.
Variant type: single nucleotide variant.
Coding change: c.3213G>A on transcript NM_006734.4 (MANE Select); coding-DNA position 3213, G replaced by A.
Protein change: p.Pro1071=; no amino-acid change (proline 1071 retained).
Molecular consequence: synonymous variant.
Genome position (GRCh38, 1-based): chr6:142,771,526, C>T on the plus strand (G>A on the coding strand, the complement: HIVEP2 is on the minus strand). VCF-style: chr6-142771526-C-T. GRCh37 (hg19) VCF-style: chr6-143092663-C-T.
Identifiers: ClinVar variation 737386 (VCV000737386.33), dbSNP rs201528029, ClinGen allele CA4028294.

ClinVar aggregate classification (germline): Benign/Likely benign. Review status: criteria provided, multiple submitters, no conflicts (2 of 4 stars). 4 submissions from 4 submitters: Benign (1); Likely benign (2). 1 of the submissions does not count toward it. Last evaluated 2026-01-05.

Conditions:
HIVEP2-related disorder. Also called: HIVEP2-related condition.

Allele frequency attached by ClinVar (database versions not stated): gnomAD exomes 0.00054; ESP Exome Variant Server 0.00056; TOPMed 0.00101; gnomAD 0.00102 and 0.00108; 1000 Genomes Project 0.00120; 1000 Genomes Project 30x 0.00156.
gnomAD v4.1: 806 of 1,613,850 alleles (0.05%); highest among the groups gnomAD compares: African/African-American, 0.29%; 2 homozygotes.

Submissions (4):

Labcorp Genetics (formerly Invitae), Labcorp
Classification: Benign. Last evaluated: 2026-01-05. Review status: criteria provided, single submitter. Criteria: Invitae Variant Classification Sherloc (09022015). Collection method: clinical testing. Allele origin: germline.

Blueprint Genetics
Classification: Likely benign. Last evaluated: 2024-10-18. Review status: criteria provided, single submitter. Criteria: ACMG Guidelines, 2015. Collection method: clinical testing. Allele origin: germline.

CeGaT Center for Human Genetics Tuebingen
Classification: Likely benign. Last evaluated: 2024-01-01. Review status: criteria provided, single submitter. Criteria: CeGaT Center For Human Genetics Tuebingen Variant Classification Criteria Version 2. Collection method: clinical testing. Allele origin: germline. Affected: yes. Observed: 1 variant allele.
Comment: HIVEP2: BP4, BP7, BS1

PreventionGenetics, part of Exact Sciences
Classification: Likely benign for HIVEP2-related condition. Last evaluated: 2019-04-11. Review status: no assertion criteria provided. Collection method: clinical testing. Allele origin: germline. Not counted in ClinVar's aggregate classification.
Comment: This variant is classified as likely benign based on ACMG/AMP sequence variant interpretation guidelines (Richards et al. 2015 PMID: 25741868, with internal and published modifications).